The following is an entry in ClinVar:

NM_006421.5(ARFGEF1):c.796G>T (p.Asp266Tyr)

Gene: ARFGEF1 (ARF guanine nucleotide exchange factor 1; minus strand). Cytogenetic location: 8q13.2.
Variant type: single nucleotide variant.
Coding change: c.796G>T on transcript NM_006421.5 (MANE Select); coding-DNA position 796, G replaced by T.
Protein change: p.Asp266Tyr; replaces aspartic acid 266 with tyrosine.
Molecular consequence: missense variant.
Genome position (GRCh38, 1-based): chr8:67,291,967, C>A on the plus strand (G>T on the coding strand, the complement: ARFGEF1 is on the minus strand). VCF-style: chr8-67291967-C-A. GRCh37 (hg19) VCF-style: chr8-68204202-C-A.
Other names: short protein forms D266Y.
Identifiers: ClinVar variation 775086 (VCV000775086.17), dbSNP rs61753695, ClinGen allele CA4772399.

ClinVar aggregate classification (germline): Benign/Likely benign. Review status: criteria provided, multiple submitters, no conflicts (2 of 4 stars). 3 submissions from 3 submitters: Benign (1); Likely benign (2). Last evaluated 2026-09-01.

Allele frequency attached by ClinVar (database versions not stated): 1000 Genomes Project 0.00280; 1000 Genomes Project 30x 0.00312; gnomAD 0.00414 and 0.00417; TOPMed 0.00444; ExAC 0.00458; gnomAD exomes 0.00473 and 0.00601; ESP Exome Variant Server 0.00592.
gnomAD v4.1: 9,362 of 1,613,872 alleles (0.58%); highest among the groups gnomAD compares: Middle Eastern, 1.1%; 41 homozygotes.

Submissions (3):

CeGaT Center for Human Genetics Tuebingen
Classification: Benign. Last evaluated: 2026-09-01. Review status: criteria provided, single submitter. Criteria: CeGaT Center For Human Genetics Tuebingen Variant Classification Criteria Version 2. Collection method: clinical testing. Allele origin: germline. Affected: yes. Observed: 12 variant alleles.
Comment: ARFGEF1: BP4, BS1, BS2

Labcorp Genetics (formerly Invitae), Labcorp
Classification: Likely benign. Last evaluated: 2018-05-31. Review status: criteria provided, single submitter. Criteria: Invitae Variant Classification Sherloc (09022015). Collection method: clinical testing. Allele origin: germline.

Breakthrough Genomics
Classification: Likely benign. Review status: criteria provided, single submitter. Criteria: ACMG Guidelines, 2015. Collection method: not provided. Allele origin: germline. Inheritance: Autosomal dominant inheritance. Affected: yes.